The following is an entry in ClinVar:

NM_001131016.2(CIZ1):c.869C>T (p.Pro290Leu)

Gene: CIZ1 (CDKN1A interacting zinc finger protein 1; minus strand). Cytogenetic location: 9q34.11.
Variant type: single nucleotide variant.
Coding change: c.869C>T on transcript NM_001131016.2 (MANE Select); coding-DNA position 869, C replaced by T.
Protein change: p.Pro290Leu; replaces proline 290 with leucine.
Molecular consequence: missense variant.
Genome position (GRCh38, 1-based): chr9:128,179,338, G>A on the plus strand (C>T on the coding strand, the complement: CIZ1 is on the minus strand). VCF-style: chr9-128179338-G-A. GRCh37 (hg19) VCF-style: chr9-130941617-G-A.
Other names: c.869C>T, p.Pro290Leu (NM_001131015.2, NM_012127.3); c.854C>T, p.Pro285Leu (NM_001131017.2); c.797C>T, p.Pro266Leu (NM_001131018.2); c.959C>T, p.Pro320Leu (NM_001257975.2); c.566C>T, p.Pro189Leu (NM_001257976.2); short protein forms P189L, P320L, P290L, P266L, P285L.
Identifiers: ClinVar variation 1404526 (VCV001404526.9), dbSNP rs757117833, ClinGen allele CA5257414.

ClinVar aggregate classification (germline): Uncertain significance. Review status: criteria provided, multiple submitters, no conflicts (2 of 4 stars). 2 submissions from 2 submitters: Uncertain significance (2). Last evaluated 2023-04-14.

Conditions:
Dystonic disorder. Also called: Dystonia. Identifiers: MedGen C0013421, MONDO:0003441, HP:0001332.

Allele frequency attached by ClinVar (database versions not stated): ExAC 0.00001; gnomAD exomes 0.00001; gnomAD 0.00002; TOPMed 0.00003.
gnomAD v4.1: 21 of 1,613,952 alleles (0.0013%); highest among the groups gnomAD compares: East Asian, 0.0022%; no homozygotes.

Submissions (2):

Labcorp Genetics (formerly Invitae), Labcorp
Classification: Uncertain significance for Dystonic disorder. Last evaluated: 2023-04-14. Review status: criteria provided, single submitter. Criteria: Invitae Variant Classification Sherloc (09022015). Collection method: clinical testing. Allele origin: germline.
Comment: In summary, the available evidence is currently insufficient to determine the role of this variant in disease. Therefore, it has been classified as a Variant of Uncertain Significance. Algorithms developed to predict the effect of missense changes on protein structure and function output the following: SIFT: "Not Available"; PolyPhen-2: "Benign"; Align-GVGD: "Not Available". The leucine amino acid residue is found in multiple mammalian species, which suggests that this missense change does not adversely affect protein function. ClinVar contains an entry for this variant (Variation ID: 1404526). This variant has not been reported in the literature in individuals affected with CIZ1-related conditions. This variant is present in population databases (rs757117833, gnomAD 0.006%). This sequence change replaces proline, which is neutral and non-polar, with leucine, which is neutral and non-polar, at codon 290 of the CIZ1 protein (p.Pro290Leu).

Breakthrough Genomics
Classification: Uncertain significance. Review status: criteria provided, single submitter. Criteria: ACMG Guidelines, 2015. Collection method: not provided. Allele origin: germline. Inheritance: Unknown mechanism. Affected: yes.